The following is an entry in ClinVar:

ClinVar aggregate classification (germline): Uncertain significance (1 of 4 stars; one submission).

Conditions:
Renal cell carcinoma. Identifiers: Orphanet 217071, MedGen C0007134, MeSH D002292, MONDO:0005086, HP:0005584.

Submission:

Labcorp Genetics (formerly Invitae), Labcorp
Classification: Uncertain significance for Renal cell carcinoma. Last evaluated: 2025-02-04. Review status: criteria provided, single submitter. Criteria: Invitae Variant Classification Sherloc (09022015). Collection method: clinical testing. Allele origin: germline.
Comment: This sequence change replaces aspartic acid, which is acidic and polar, with glutamic acid, which is acidic and polar, at codon 850 of the MET protein (p.Asp850Glu). This variant is not present in population databases (gnomAD no frequency). This variant has not been reported in the literature in individuals affected with MET-related conditions. An algorithm developed to predict the effect of missense changes on protein structure and function (PolyPhen-2) suggests that this variant is likely to be disruptive. In summary, the available evidence is currently insufficient to determine the role of this variant in disease. Therefore, it has been classified as a Variant of Uncertain Significance.

NM_000245.4(MET):c.2496T>A (p.Asp832Glu)

Gene: MET (MET proto-oncogene, receptor tyrosine kinase; plus strand). Cytogenetic location: 7q31.2.
Variant type: single nucleotide variant.
Coding change: c.2496T>A on transcript NM_000245.4 (MANE Select); coding-DNA position 2496, T replaced by A.
Protein change: p.Asp832Glu; replaces aspartic acid 832 with glutamic acid.
Molecular consequence: missense variant.
Genome position (GRCh38, 1-based): chr7:116,763,181, T>A. VCF-style: chr7-116763181-T-A. GRCh37 (hg19) VCF-style: chr7-116403235-T-A.
Other names: c.2550T>A, p.Asp850Glu (NM_001127500.3); c.2496T>A, p.Asp832Glu (NM_001324401.3); c.1206T>A, p.Asp402Glu (NM_001324402.2); short protein forms D402E, D832E, D850E.
Identifiers: ClinVar variation 3692163 (VCV003692163.2).